The following is an entry in ClinVar:

NM_017780.4(CHD7):c.2442+1G>T

Gene: CHD7 (chromodomain helicase DNA binding protein 7; plus strand). Cytogenetic location: 8q12.2.
Variant type: single nucleotide variant.
Coding change: c.2442+1G>T on transcript NM_017780.4 (MANE Select); the canonical splice donor site of the intron after coding-DNA position 2442, G replaced by T.
Molecular consequence: splice donor variant. On other transcripts: intron variant (1).
Genome position (GRCh38, 1-based): chr8:60,801,594, G>T. VCF-style: chr8-60801594-G-T. GRCh37 (hg19) VCF-style: chr8-61714153-G-T.
Other names: NC_000008.10:g.61714153G>T; c.1716+20544G>T (NM_001316690.1).
Identifiers: ClinVar variation 426350 (VCV000426350.3), dbSNP rs1085307582, ClinGen allele CA371301671.

ClinVar aggregate classification (germline): Pathogenic (1 of 4 stars; one submission).

Submissions (2):

GeneDx
Classification: Pathogenic. Last evaluated: 2017-04-19. Review status: criteria provided, single submitter. Criteria: GeneDx Variant Classification (06012015). Collection method: clinical testing. Allele origin: germline. Affected: yes.
Comment: The c.2442+1G>T pathogenic variant in the CHD7 gene has been reported previously in an individual with an intellectual disability (Grozeva et al., 2015). This splice site variant destroys the canonical splice donor site in intron 6, which is predicted to cause abnormal gene splicing. The c.2442+1G>T variant is not observed in large population cohorts (Lek et al., 2016; 1000 Genomes Consortium et al., 2015; Exome Variant Server). We interpret c.2442+1G>T as a pathogenic variant.

Dr. Peter K. Rogan Lab, Western University
No classification provided (evidence only). Condition: Thyroid cancer, nonmedullary, 1. Review status: no classification provided. Collection method: in vitro. Allele origin: not applicable. Functional consequence: retained intron. Not counted in ClinVar's aggregate classification.